The following is an entry in ClinVar:

NM_004187.5(KDM5C):c.89A>G (p.Tyr30Cys)

Genes: KDM5C (lysine demethylase 5C; minus strand), LOC130068308 (ATAC-STARR-seq lymphoblastoid active region 29656; plus strand). Cytogenetic location: Xp11.22.
Variant type: single nucleotide variant.
Coding change: c.89A>G on transcript NM_004187.5 (MANE Select); coding-DNA position 89, A replaced by G.
Protein change: p.Tyr30Cys; replaces tyrosine 30 with cysteine.
Molecular consequence: missense variant. On other transcripts: non-coding transcript variant (3).
Genome position (GRCh38, 1-based): chrX:53,224,801, T>C on the plus strand (A>G on the coding strand, the complement: KDM5C is on the minus strand). VCF-style: chrX-53224801-T-C. GRCh37 (hg19) VCF-style: chrX-53253983-T-C.
Other names: c.89A>G, p.Tyr30Cys (NM_001146702.2, NM_001282622.3, NM_001353978.3 and 4 more transcripts); short protein forms Y30C.
Identifiers: ClinVar variation 431823 (VCV000431823.2), dbSNP rs1556856142, ClinGen allele CA413134134.
Genomic context (GRCh38, chrX:53,224,801, plus strand): 5'-GCGGGTGGGCGGATCTTGCAAATGCCCGATTTCTCTGCGATGGGCCTGATTTTCGCGATG[T>C]AGCCAAGAGGGTCTCGGAACTCGGCCCAGCTAGGCTCGAACACCGGGCACTCCGGTGGCG-3'
Protein context (NP_004178.2, residues 20-40): SWAEFRDPLG[Tyr30Cys]IAKIRPIAEK

ClinVar aggregate classification (germline): Pathogenic (1 of 4 stars; one submission).

Submission:

GeneDx
Classification: Pathogenic. Last evaluated: 2017-05-24. Review status: criteria provided, single submitter. Criteria: GeneDx Variant Classification (06012015). Collection method: clinical testing. Allele origin: germline. Affected: yes.
Comment: The Y30C variant in the KDM5C gene has been reported previously as a disease-causing variant in an individual with an abnormality of the nervous system (Retterer et al., 2016). The Y30C variant is not observed in large population cohorts (Lek et al., 2016; 1000 Genomes Consortium et al., 2015; Exome Variant Server). The Y30C variant is a non-conservative amino acid substitution, which is likely to impact secondary protein structure as these residues differ in polarity, charge, size and/or other properties. This substitution occurs at a position that is conserved across species. In silico analysis predicts this variant is probably damaging to the protein structure/function. We interpret Y30C as a pathogenic variant.